The following is an entry in ClinVar:

ClinVar aggregate classification (germline): Conflicting classifications of pathogenicity. Review status: criteria provided, conflicting classifications (1 of 4 stars). 4 submissions from 4 submitters: Uncertain significance (3); Benign (1). Last evaluated 2026-02-22.

Conditions:
COL11A2-related disorder. Also called: COL11A2-related condition; COL11A2-related disorders.

Allele frequency attached by ClinVar (database versions not stated): TOPMed below 0.00001; gnomAD 0.00001 and 0.00004; gnomAD exomes 0.00004 and 0.00005; ExAC 0.00007; 1000 Genomes Project 30x 0.00016; 1000 Genomes Project 0.00020.
gnomAD v4.1: 58 of 1,612,846 alleles (0.0036%); highest among the groups gnomAD compares: South Asian, 0.054%; no homozygotes.

Submissions (4):

PreventionGenetics, part of Exact Sciences
Classification: Uncertain significance for COL11A2-related condition. Last evaluated: 2026-02-22. Review status: criteria provided, single submitter. Criteria: ACMG Guidelines, 2015. Collection method: clinical testing. Allele origin: germline.
Comment: The COL11A2 c.1880G>A variant is predicted to result in the amino acid substitution p.Arg627Gln. To our knowledge, this variant has not been reported in the literature. This variant is reported in 0.043% of alleles in individuals of South Asian descent in gnomAD. At this time, the clinical significance of this variant is uncertain due to the absence of conclusive functional and genetic evidence.

Labcorp Genetics (formerly Invitae), Labcorp
Classification: Benign. Last evaluated: 2025-08-17. Review status: criteria provided, single submitter. Criteria: Invitae Variant Classification Sherloc (09022015). Collection method: clinical testing. Allele origin: germline.

GeneDx
Classification: Uncertain significance. Last evaluated: 2023-06-12. Review status: criteria provided, single submitter. Criteria: GeneDx Variant Classification Process June 2021. Collection method: clinical testing. Allele origin: germline. Affected: yes.
Comment: Has not been previously published as pathogenic or benign to our knowledge; In silico analysis supports that this missense variant does not alter protein structure/function

Laboratory for Molecular Medicine, Mass General Brigham Personalized Medicine
Classification: Uncertain significance. Last evaluated: 2015-02-20. Review status: criteria provided, single submitter. Criteria: LMM Criteria. Collection method: clinical testing. Allele origin: germline. Observed: 2 variant alleles.
Comment: The p.Arg627Gln variant in COL11A2 has not been previously reported in individua ls with hearing loss, but has been identified in 7/16206 of South Asian chromoso mes by the Exome Aggregation Consortium (ExAC). Although this variant has been seen in the general population, its frequency is not high enough to rule out a pathogenic role. Computational prediction tools an d conservation analyses do not provide strong support for or against an impact t o the protein. In summary, the clinical significance of the p.Arg627Gln variant is uncertain.

NM_080680.3(COL11A2):c.1880G>A (p.Arg627Gln)

Gene: COL11A2 (collagen type XI alpha 2 chain; minus strand). Cytogenetic location: 6p21.32.
Variant type: single nucleotide variant.
Coding change: c.1880G>A on transcript NM_080680.3 (MANE Select); coding-DNA position 1880, G replaced by A.
Protein change: p.Arg627Gln; replaces arginine 627 with glutamine.
Molecular consequence: missense variant.
Genome position (GRCh38, 1-based): chr6:33,177,699, C>T on the plus strand (G>A on the coding strand, the complement: COL11A2 is on the minus strand). VCF-style: chr6-33177699-C-T. GRCh37 (hg19) VCF-style: chr6-33145476-C-T.
Other names: c.1559G>A, p.Arg520Gln (NM_080679.3); c.1622G>A, p.Arg541Gln (NM_080681.3); short protein forms R627Q, R520Q, R541Q.
Identifiers: ClinVar variation 228532 (VCV000228532.15), dbSNP rs528989984, ClinGen allele CA3751141.